The following is an entry in ClinVar:

NM_001374736.1(DST):c.15228G>C (p.Lys5076Asn)

Gene: DST (dystonin; minus strand). Cytogenetic location: 6p12.1.
Variant type: single nucleotide variant.
Coding change: c.15228G>C on transcript NM_001374736.1 (MANE Select); coding-DNA position 15228, G replaced by C.
Protein change: p.Lys5076Asn; replaces lysine 5076 with asparagine.
Molecular consequence: missense variant.
Genome position (GRCh38, 1-based): chr6:56,553,564, C>G on the plus strand (G>C on the coding strand, the complement: DST is on the minus strand). VCF-style: chr6-56553564-C-G. GRCh37 (hg19) VCF-style: chr6-56418362-C-G.
Other names: c.8871G>C, p.Lys2957Asn (NM_001144769.5); c.8457G>C, p.Lys2819Asn (NM_001144770.2); c.15228G>C, p.Lys5076Asn (NM_001374722.1); c.14595G>C, p.Lys4865Asn (NM_001374729.1); c.8337G>C, p.Lys2779Asn (NM_001374730.1, NM_001386100.1, NM_183380.4); c.15255G>C, p.Lys5085Asn (NM_001374734.1); c.7359G>C, p.Lys2453Asn (NM_015548.5); short protein forms K5076N, K2453N, K2779N, K2819N, K2957N, K4865N, K5085N.
Identifiers: ClinVar variation 2944123 (VCV002944123.3), dbSNP rs2535342481, ClinGen allele CA364517814.
Genomic context (GRCh38, chr6:56,553,564, plus strand): 5'-TAATGACTCCAAGACATCGAGTTTGGCAGATATTGGATGAGATTTGTTTTGCTCTTCTTT[C>G]TTTGTATCCAGCCAAGCCTGAAAATCTCTAGACATTTGCTGAAATTGATGAGAGCTTGCA-3'
Protein context (NP_001361665.1, residues 5066-5086): SRDFQAWLDT[Lys5076Asn]KEEQNKSHPI

ClinVar aggregate classification (germline): Uncertain significance (1 of 4 stars; one submission).

Conditions:
Epidermolysis bullosa simplex 3, localized or generalized intermediate, with BP230 deficiency (EBS3). Also called: Epidermolysis bullosa simplex, autosomal recessive 2; Epidermolysis bullosa simplex due to BP230 deficiency. Identifiers: Orphanet 412181, MedGen C3809470, MONDO:0014180, OMIM 615425.
Hereditary sensory and autonomic neuropathy type 6. Also called: HSAN VI; Neuropathy, hereditary sensory and autonomic, type VI. Identifiers: Orphanet 314381, MedGen C3539003, MONDO:0013839, OMIM 614653.

Submission:

Labcorp Genetics (formerly Invitae), Labcorp
Classification: Uncertain significance for Epidermolysis bullosa simplex 3, localized or generalized intermediate, with BP230 deficiency; Hereditary sensory and autonomic neuropathy type 6. Last evaluated: 2023-02-10. Review status: criteria provided, single submitter. Criteria: Invitae Variant Classification Sherloc (09022015). Collection method: clinical testing. Allele origin: germline.
Comment: The DST gene has multiple clinically relevant transcripts. This variant occurs in alternate transcript NM_015548.4, and corresponds to NM_001723.5:c.*61953G>C in the primary transcript. This sequence change replaces lysine, which is basic and polar, with asparagine, which is neutral and polar, at codon 2453 of the DST protein (p.Lys2453Asn). This variant is not present in population databases (gnomAD no frequency). This variant has not been reported in the literature in individuals affected with DST-related conditions. Experimental studies and prediction algorithms are not available or were not evaluated, and the functional significance of this variant is currently unknown. In summary, the available evidence is currently insufficient to determine the role of this variant in disease. Therefore, it has been classified as a Variant of Uncertain Significance.